The following is an entry in ClinVar:

ClinVar aggregate classification (germline): Likely benign. Review status: criteria provided, multiple submitters, no conflicts (2 of 4 stars). 3 submissions from 3 submitters: Likely benign (3). Last evaluated 2025-10-17.

Conditions:
SLC24A1-related disorder. Also called: SLC24A1-related condition.

Allele frequency attached by ClinVar (database versions not stated): gnomAD exomes 0.00002 and 0.00005; ExAC 0.00003; TOPMed 0.00010.
gnomAD v4.1: 47 of 1,614,002 alleles (0.0029%); highest among the groups gnomAD compares: African/African-American, 0.02%; no homozygotes.

Submissions (3):

PreventionGenetics, part of Exact Sciences
Classification: Likely benign for SLC24A1-related condition. Last evaluated: 2025-10-17. Review status: criteria provided, single submitter. Criteria: ACMG Guidelines, 2015. Collection method: clinical testing. Allele origin: germline.
Comment: This variant is classified as likely benign based on ACMG/AMP sequence variant interpretation guidelines (Richards et al. 2015 PMID: 25741868, with internal and published modifications).

Labcorp Genetics (formerly Invitae), Labcorp
Classification: Likely benign. Last evaluated: 2025-06-19. Review status: criteria provided, single submitter. Criteria: Invitae Variant Classification Sherloc (09022015). Collection method: clinical testing. Allele origin: germline.

Blueprint Genetics
Classification: Likely benign. Last evaluated: 2024-08-05. Review status: criteria provided, single submitter. Criteria: ACMG Guidelines, 2015. Collection method: clinical testing. Allele origin: germline.

NM_004727.3(SLC24A1):c.1566C>T (p.Asn522=)

Gene: SLC24A1 (solute carrier family 24 member 1; plus strand). Cytogenetic location: 15q22.31.
Variant type: single nucleotide variant.
Coding change: c.1566C>T on transcript NM_004727.3 (MANE Select); coding-DNA position 1566, C replaced by T.
Protein change: p.Asn522=; no amino-acid change (asparagine 522 retained).
Molecular consequence: synonymous variant.
Genome position (GRCh38, 1-based): chr15:65,625,646, C>T. VCF-style: chr15-65625646-C-T. GRCh37 (hg19) VCF-style: chr15-65917984-C-T.
Other names: c.1566C>T (NM_004727.2); c.1566C>T, p.Asn522= (NM_001301031.1, NM_001301032.1, NM_001301033.2).
Identifiers: ClinVar variation 1142067 (VCV001142067.11), dbSNP rs34638000, ClinGen allele CA7619935.